The following is an entry in ClinVar:

NM_004369.4(COL6A3):c.120A>G (p.Ile40Met)

Gene: COL6A3 (collagen type VI alpha 3 chain; minus strand). Cytogenetic location: 2q37.3.
Variant type: single nucleotide variant.
Coding change: c.120A>G on transcript NM_004369.4 (MANE Select); coding-DNA position 120, A replaced by G.
Protein change: p.Ile40Met; replaces isoleucine 40 with methionine.
Molecular consequence: missense variant. On other transcripts: intron variant (4).
Genome position (GRCh38, 1-based): chr2:237,395,176, T>C on the plus strand (A>G on the coding strand, the complement: COL6A3 is on the minus strand). VCF-style: chr2-237395176-T-C. GRCh37 (hg19) VCF-style: chr2-238303819-T-C.
Other names: c.91+1551A>G (NM_057166.5, NM_057167.4, NM_057164.5 and 1 more transcripts); short protein forms I40M.
Identifiers: ClinVar variation 2585213 (VCV002585213.1), dbSNP rs1379366909, ClinGen allele CA351228395.
Genomic context (GRCh38, chr2:237,395,176, plus strand): 5'-CTCTCGAACAAGTTGGAAATGTTCCTCTCCAATGGTCCAAGAGGAATCCACTAGAAATAT[T>C]ATATCAGCAGCCGCACCATTTTTGACATCTTTAAAAAAAGACATTGGTTTAGATTTTTCT-3'
Protein context (NP_004360.2, residues 30-50): ADVKNGAAAD[Ile40Met]IFLVDSSWTI

ClinVar aggregate classification (germline): Uncertain significance (1 of 4 stars; one submission).

Conditions:
Bethlem myopathy 1A. Also called: MYOPATHY, BENIGN CONGENITAL, WITH CONTRACTURES; Bethlem Muscular Dystrophy; Bethlem myopathy 1. Identifiers: Orphanet 610, MedGen CN029274, MONDO:0024530, OMIM 158810.

Allele frequency attached by ClinVar (database versions not stated): TOPMed below 0.00001.
gnomAD v4.1: 1 of 1,613,486 alleles (0.000062%); no homozygotes.

Submission:

Neuberg Centre For Genomic Medicine, NCGM
Classification: Uncertain significance for Bethlem myopathy 1A. Review status: criteria provided, single submitter. Criteria: ACMG Guidelines, 2015. Collection method: clinical testing. Allele origin: germline. Inheritance: Autosomal dominant inheritance. Affected: yes.
Comment: The missense variant p.I40M in COL6A3 (NM_004369.4) has not been reported previously as a pathogenic variant nor as a benign variant, to our knowledge. The p.I40M variant is novel (not in any individuals) in gnomAD Exomes and is novel (not in any individuals) in 1000 Genomes. There is a small physicochemical difference between isoleucine and methionine, which is not likely to impact secondary protein structure as these residues share similar properties. The variant is predicted to be damaging by both SIFT and PolyPhen2. The residue is conserved across species. The amino acid change p.Ile40Met in COL6A3 is predicted as conserved by GERP++ and PhyloP across 100 vertebrates. For these reasons, this variant has been classified as Uncertain Significance.